The following is an entry in ClinVar:

ClinVar aggregate classification (germline): Uncertain significance (1 of 4 stars; one submission).

Conditions:
Inborn genetic diseases. Identifiers: MedGen C0950123, MeSH D030342.

Submission:

Ambry Genetics
Classification: Uncertain significance for Inborn genetic diseases. Last evaluated: 2020-10-30. Review status: criteria provided, single submitter. Criteria: Ambry Variant Classification Scheme 2023. Collection method: clinical testing. Allele origin: germline.
Comment: The c.520G>C (p.E174Q) alteration is located in exon 2 (coding exon 2) of the IRX5 gene. This alteration results from a G to C substitution at nucleotide position 520, causing the glutamic acid (E) at amino acid position 174 to be replaced by a glutamine (Q). Based on data from the Genome Aggregation Database (gnomAD), the IRX5 c.520G>C alteration was not observed, with coverage at this position. This amino acid position is highly conserved in available vertebrate species. The in silico prediction for the p.E174Q alteration is inconclusive. Based on insufficient or conflicting evidence, the clinical significance of this alteration remains unclear.

NM_005853.6(IRX5):c.520G>C (p.Glu174Gln)

Genes: IRX5 (iroquois homeobox 5; plus strand), LOC126862355 (CDK7 strongly-dependent group 2 enhancer GRCh37_chr16:54965529-54966728; plus strand). Cytogenetic location: 16q12.2.
Variant type: single nucleotide variant.
Coding change: c.520G>C on transcript NM_005853.6 (MANE Select); coding-DNA position 520, G replaced by C.
Protein change: p.Glu174Gln; replaces glutamic acid 174 with glutamine.
Molecular consequence: missense variant.
Genome position (GRCh38, 1-based): chr16:54,932,768, G>C. VCF-style: chr16-54932768-G-C. GRCh37 (hg19) VCF-style: chr16-54966680-G-C.
Other names: c.520G>C, p.Glu174Gln (NM_001252197.1); short protein forms E174Q.
Identifiers: ClinVar variation 2227721 (VCV002227721.2), dbSNP rs2506984989, ClinGen allele CA396125544.
Genomic context (GRCh38, chr16:54,932,768, plus strand): 5'-AAGATGACCCTCACCCAGGTGTCCACCTGGTTCGCCAACGCGCGCCGGCGCCTCAAGAAA[G>C]AGAATAAAATGACGTGGACGCCGCGGAACCGCAGCGAGGACGAGGAAGAGGAGGAGAACA-3'
Protein context (NP_005844.4, residues 164-184): FANARRRLKK[Glu174Gln]NKMTWTPRNR